The following is an entry in ClinVar:

ClinVar aggregate classification (germline): Uncertain significance (1 of 4 stars; one submission).

Submission:

Labcorp Genetics (formerly Invitae), Labcorp
Classification: Uncertain significance. Last evaluated: 2019-08-25. Review status: criteria provided, single submitter. Criteria: Invitae Variant Classification Sherloc (09022015). Collection method: clinical testing. Allele origin: germline.
Comment: In summary, the available evidence is currently insufficient to determine the role of this variant in disease. Therefore, it has been classified as a Variant of Uncertain Significance. Algorithms developed to predict the effect of missense changes on protein structure and function (SIFT, PolyPhen-2, Align-GVGD) all suggest that this variant is likely to be disruptive, but these predictions have not been confirmed by published functional studies and their clinical significance is uncertain. This variant has not been reported in the literature in individuals with CNGA3-related conditions. This variant is not present in population databases (ExAC no frequency). This sequence change replaces leucine with proline at codon 311 of the CNGA3 protein (p.Leu311Pro). The leucine residue is moderately conserved and there is a moderate physicochemical difference between leucine and proline.

NM_001298.3(CNGA3):c.932T>C (p.Leu311Pro)

Gene: CNGA3 (cyclic nucleotide gated channel subunit alpha 3; plus strand). Cytogenetic location: 2q11.2.
Variant type: single nucleotide variant.
Coding change: c.932T>C on transcript NM_001298.3 (MANE Select); coding-DNA position 932, T replaced by C.
Protein change: p.Leu311Pro; replaces leucine 311 with proline.
Molecular consequence: missense variant.
Genome position (GRCh38, 1-based): chr2:98,396,102, T>C. VCF-style: chr2-98396102-T-C. GRCh37 (hg19) VCF-style: chr2-99012565-T-C.
Other names: c.878T>C, p.Leu293Pro (NM_001079878.2); short protein forms L293P, L311P.
Identifiers: ClinVar variation 963093 (VCV000963093.9), dbSNP rs1692906033, ClinGen allele CA347832456.